The following is an entry in ClinVar:

NM_000036.3(AMPD1):c.929T>C (p.Met310Thr)

Gene: AMPD1 (adenosine monophosphate deaminase 1; minus strand). Cytogenetic location: 1p13.2.
Variant type: single nucleotide variant.
Coding change: c.929T>C on transcript NM_000036.3 (MANE Select); coding-DNA position 929, T replaced by C.
Protein change: p.Met310Thr; replaces methionine 310 with threonine.
Molecular consequence: missense variant.
Genome position (GRCh38, 1-based): chr1:114,678,496, A>G on the plus strand (T>C on the coding strand, the complement: AMPD1 is on the minus strand). VCF-style: chr1-114678496-A-G. GRCh37 (hg19) VCF-style: chr1-115221117-A-G.
Other names: c.917T>C, p.Met306Thr (NM_001172626.2); short protein forms M306T, M310T.
Identifiers: ClinVar variation 1922512 (VCV001922512.5), dbSNP rs1658065788, ClinGen allele CA341749822.
Genomic context (GRCh38, chr1:114,678,496, plus strand): 5'-ACTCTGTCAGCATCAATTTGGTAAGATTTCTTAATAAAACGCAGCAGATGTTTCTGGTTC[A>G]TGCAAGCGGCTGCATGGATATGGGTGTCCACCTGTATGTATATTCAAAGAAAGAAAAAAA-3'
Protein context (NP_000027.3, residues 300-320): VDTHIHAAAC[Met310Thr]NQKHLLRFIK

ClinVar aggregate classification (germline): Uncertain significance (1 of 4 stars; one submission).

Conditions:
Muscle AMP deaminase deficiency (MMDD). Also called: Myoadenylate deaminase deficiency, myopathy due to; Adenosine monophosphate deaminase 1 deficiency; AMP deaminase 1 deficiency; Adenosine Monophosphate Deaminase 1; AMPD1 DEFICIENCY; ADENOSINE MONOPHOSPHATE DEAMINASE-1 DEFICIENCY, MYOPATHY DUE TO. Identifiers: Orphanet 45, MedGen C3714933, MONDO:0014220, OMIM 615511.

Allele frequency attached by ClinVar (database versions not stated): TOPMed below 0.00001.

Submission:

Labcorp Genetics (formerly Invitae), Labcorp
Classification: Uncertain significance for Muscle AMP deaminase deficiency. Last evaluated: 2022-06-30. Review status: criteria provided, single submitter. Criteria: Invitae Variant Classification Sherloc (09022015). Collection method: clinical testing. Allele origin: germline.
Comment: In summary, the available evidence is currently insufficient to determine the role of this variant in disease. Therefore, it has been classified as a Variant of Uncertain Significance. Algorithms developed to predict the effect of missense changes on protein structure and function (SIFT, PolyPhen-2, Align-GVGD) all suggest that this variant is likely to be disruptive. This variant has not been reported in the literature in individuals affected with AMPD1-related conditions. This variant is not present in population databases (gnomAD no frequency). This sequence change replaces methionine, which is neutral and non-polar, with threonine, which is neutral and polar, at codon 343 of the AMPD1 protein (p.Met343Thr).